The following is an entry in ClinVar:

NM_000061.3(BTK):c.1517G>T (p.Cys506Phe)

Gene: BTK (Bruton tyrosine kinase; minus strand). Cytogenetic location: Xq22.1.
Variant type: single nucleotide variant.
Coding change: c.1517G>T on transcript NM_000061.3 (MANE Select); coding-DNA position 1517, G replaced by T.
Protein change: p.Cys506Phe; replaces cysteine 506 with phenylalanine.
Molecular consequence: missense variant. On other transcripts: intron variant (1).
Genome position (GRCh38, 1-based): chrX:101,356,101, C>A on the plus strand (G>T on the coding strand, the complement: BTK is on the minus strand). VCF-style: chrX-101356101-C-A. GRCh37 (hg19) VCF-style: chrX-100611089-C-A.
Other names: c.1619G>T, p.Cys540Phe (NM_001287344.2); c.1039-1407G>T (NM_001287345.2); short protein forms C506F, C540F.
Identifiers: ClinVar variation 3724303 (VCV003724303.2).

ClinVar aggregate classification (germline): Uncertain significance (1 of 4 stars; one submission).

Conditions:
X-linked agammaglobulinemia with growth hormone deficiency (IGHD3). Also called: Isolated growth hormone deficiency type 3; Growth hormone deficiency with hypogammaglobulinemia; AGAMMAGLOBULINEMIA AND ISOLATED GROWTH HORMONE DEFICIENCY, X-LINKED; FLEISHER SYNDROME; HYPOGAMMAGLOBULINEMIA AND ISOLATED GROWTH HORMONE DEFICIENCY, X-LINKED; IGHD III. Identifiers: Orphanet 231692, Orphanet 631, MedGen C0472813, MONDO:0010615, OMIM 307200.

Submission:

Labcorp Genetics (formerly Invitae), Labcorp
Classification: Uncertain significance for X-linked agammaglobulinemia with growth hormone deficiency. Last evaluated: 2024-04-13. Review status: criteria provided, single submitter. Criteria: Invitae Variant Classification Sherloc (09022015). Collection method: clinical testing. Allele origin: germline.
Comment: This sequence change replaces cysteine, which is neutral and slightly polar, with phenylalanine, which is neutral and non-polar, at codon 506 of the BTK protein (p.Cys506Phe). This variant is not present in population databases (gnomAD no frequency). This missense change has been observed in individual(s) with clinical features of BTK-related conditions (PMID: 15661032, 19302039; Invitae). Advanced modeling of protein sequence and biophysical properties (such as structural, functional, and spatial information, amino acid conservation, physicochemical variation, residue mobility, and thermodynamic stability) performed at Invitae indicates that this missense variant is expected to disrupt BTK protein function with a positive predictive value of 80%. This variant disrupts the p.Cys506 amino acid residue in BTK. Other variant(s) that disrupt this residue have been determined to be pathogenic (PMID: 7880320, 9143921, 11102984, 32441320). This suggests that this residue is clinically significant, and that variants that disrupt this residue are likely to be disease-causing. In summary, the available evidence is currently insufficient to determine the role of this variant in disease. Therefore, it has been classified as a Variant of Uncertain Significance.

Literature cited by the submitters: PubMed 15661032; PubMed 19302039; PubMed 7880320; PubMed 9143921; PubMed 11102984; PubMed 32441320.